The following is an entry in ClinVar:

NM_005445.4(SMC3):c.3469G>C (p.Val1157Leu)

Gene: SMC3 (structural maintenance of chromosomes 3; plus strand). Cytogenetic location: 10q25.2.
Variant type: single nucleotide variant.
Coding change: c.3469G>C on transcript NM_005445.4 (MANE Select); coding-DNA position 3469, G replaced by C.
Protein change: p.Val1157Leu; replaces valine 1157 with leucine.
Molecular consequence: missense variant.
Genome position (GRCh38, 1-based): chr10:110,602,996, G>C. VCF-style: chr10-110602996-G-C. GRCh37 (hg19) VCF-style: chr10-112362754-G-C.
Other names: short protein forms V1157L.
Identifiers: ClinVar variation 3251773 (VCV003251773.3), dbSNP rs2493150119.

ClinVar aggregate classification (germline): Uncertain significance. Review status: criteria provided, multiple submitters, no conflicts (2 of 4 stars). 2 submissions from 2 submitters: Uncertain significance (2). Last evaluated 2024-04-23.

Conditions:
Cornelia de Lange syndrome 3 (CDLS3). Also called: CORNELIA DE LANGE SYNDROME 3 WITH OR WITHOUT MIDLINE BRAIN DEFECTS; SMC3-Related Cornelia de Lange Syndrome. Identifiers: Orphanet 199, MedGen C1853099, MONDO:0012555, OMIM 610759.

Submissions (2):

Women's Health and Genetics/Laboratory Corporation of America, LabCorp
Classification: Uncertain significance. Last evaluated: 2024-04-23. Review status: criteria provided, single submitter. Criteria: LabCorp Variant Classification Summary - May 2015. Collection method: clinical testing. Allele origin: germline.
Comment: Variant summary: SMC3 c.3469G>C (p.Val1157Leu) results in a conservative amino acid change in the encoded protein sequence. Four of five in-silico tools predict a damaging effect of the variant on protein function. The variant was absent in 251002 control chromosomes (gnomAD). The available data on variant occurrences in the general population are insufficient to allow any conclusion about variant significance. To our knowledge, no occurrence of c.3469G>C in individuals affected with Cornelia De Lange Syndrome 3 and no experimental evidence demonstrating its impact on protein function have been reported. No submitters have cited clinical-significance assessments for this variant to ClinVar. Based on the evidence outlined above, the variant was classified as uncertain significance.

Labcorp Genetics (formerly Invitae), Labcorp
Classification: Uncertain significance for Cornelia de Lange syndrome 3. Last evaluated: 2024-03-15. Review status: criteria provided, single submitter. Criteria: Invitae Variant Classification Sherloc (09022015). Collection method: clinical testing. Allele origin: germline.
Comment: This sequence change replaces valine, which is neutral and non-polar, with leucine, which is neutral and non-polar, at codon 1157 of the SMC3 protein (p.Val1157Leu). This variant is not present in population databases (gnomAD no frequency). This variant has not been reported in the literature in individuals affected with SMC3-related conditions. Advanced modeling of protein sequence and biophysical properties (such as structural, functional, and spatial information, amino acid conservation, physicochemical variation, residue mobility, and thermodynamic stability) performed at Invitae indicates that this missense variant is not expected to disrupt SMC3 protein function with a negative predictive value of 80%. In summary, the available evidence is currently insufficient to determine the role of this variant in disease. Therefore, it has been classified as a Variant of Uncertain Significance.